The following is an entry in ClinVar:

NM_012232.6(CAVIN1):c.897A>G (p.Lys299=)

Gene: CAVIN1 (caveolae associated protein 1; minus strand). Cytogenetic location: 17q21.2.
Variant type: single nucleotide variant.
Coding change: c.897A>G on transcript NM_012232.6 (MANE Select); coding-DNA position 897, A replaced by G.
Protein change: p.Lys299=; no amino-acid change (lysine 299 retained).
Molecular consequence: synonymous variant.
Genome position (GRCh38, 1-based): chr17:42,404,963, T>C on the plus strand (A>G on the coding strand, the complement: CAVIN1 is on the minus strand). VCF-style: chr17-42404963-T-C. GRCh37 (hg19) VCF-style: chr17-40556981-T-C.
Other names: c.897A>G (NM_012232.5).
Identifiers: ClinVar variation 1298703 (VCV001298703.37), dbSNP rs139618976, ClinGen allele CA8575782.
Genomic context (GRCh38, chr17:42,404,963, plus strand): 5'-TGGCACCTTGTAGACCGCGGTCTTGGAGCGCGCGTACACCACGTGGTCGGGCGTGAAGGA[T>C]TTGCGCAACTTGTCCCGCGACGTCTTCAGTTTCTCGCGCCGCTCGGCGGGCACCAGGCGC-3'
Protein context (NP_036364.2, residues 289-309): KLKTSRDKLR[Lys299=]SFTPDHVVYA

ClinVar aggregate classification (germline): Likely benign. Review status: criteria provided, multiple submitters, no conflicts (2 of 4 stars). 3 submissions from 3 submitters: Likely benign (2). 1 of the submissions does not count toward it. Last evaluated 2026-01-14.

Conditions:
CAVIN1-related disorder. Also called: CAVIN1-related condition.

Allele frequency attached by ClinVar (database versions not stated): TOPMed 0.00018; gnomAD exomes 0.00020 and 0.00021; ESP Exome Variant Server 0.00023; ExAC 0.00025; gnomAD 0.00028.
gnomAD v4.1: 343 of 1,613,886 alleles (0.021%); highest among the groups gnomAD compares: Non-Finnish European, 0.027%; no homozygotes.

Submissions (3):

Labcorp Genetics (formerly Invitae), Labcorp
Classification: Likely benign. Last evaluated: 2026-01-14. Review status: criteria provided, single submitter. Criteria: Invitae Variant Classification Sherloc (09022015). Collection method: clinical testing. Allele origin: germline.

CeGaT Center for Human Genetics Tuebingen
Classification: Likely benign. Last evaluated: 2025-08-01. Review status: criteria provided, single submitter. Criteria: CeGaT Center For Human Genetics Tuebingen Variant Classification Criteria Version 2. Collection method: clinical testing. Allele origin: germline. Affected: yes. Observed: 3 variant alleles.
Comment: CAVIN1: BP4, BP7

PreventionGenetics, part of Exact Sciences
Classification: Likely benign for CAVIN1-related condition. Last evaluated: 2022-06-08. Review status: no assertion criteria provided. Collection method: clinical testing. Allele origin: germline. Not counted in ClinVar's aggregate classification.
Comment: This variant is classified as likely benign based on ACMG/AMP sequence variant interpretation guidelines (Richards et al. 2015 PMID: 25741868, with internal and published modifications).